The following is an entry in ClinVar:

NM_173076.3(ABCA12):c.7386G>C (p.Met2462Ile)

Genes: ABCA12 (ATP binding cassette subfamily A member 12; minus strand), SNHG31 (small nucleolar RNA host gene 31; plus strand). Cytogenetic location: 2q35.
Variant type: single nucleotide variant.
Coding change: c.7386G>C on transcript NM_173076.3 (MANE Select); coding-DNA position 7386, G replaced by C.
Protein change: p.Met2462Ile; replaces methionine 2462 with isoleucine.
Molecular consequence: missense variant. On other transcripts: non-coding transcript variant (1).
Genome position (GRCh38, 1-based): chr2:214,942,975, C>G on the plus strand (G>C on the coding strand, the complement: ABCA12 is on the minus strand). VCF-style: chr2-214942975-C-G. GRCh37 (hg19) VCF-style: chr2-215807699-C-G.
Other names: c.6432G>C, p.Met2144Ile (NM_015657.4); short protein forms M2462I, M2144I.
Identifiers: ClinVar variation 450611 (VCV000450611.3), dbSNP rs373955277, ClinGen allele CA2090661.

ClinVar aggregate classification (germline): Uncertain significance. Review status: criteria provided, multiple submitters, no conflicts (2 of 4 stars). 2 submissions from 2 submitters: Uncertain significance (2). Last evaluated 2026-01-06.

Allele frequency attached by ClinVar (database versions not stated): TOPMed below 0.00001; gnomAD 0.00001; ExAC 0.00002.
gnomAD v4.1: 19 of 1,613,380 alleles (0.0012%); highest among the groups gnomAD compares: East Asian, 0.027%; 1 homozygote.

Submissions (2):

Women's Health and Genetics/Laboratory Corporation of America, LabCorp
Classification: Uncertain significance. Last evaluated: 2026-01-06. Review status: criteria provided, single submitter. Criteria: LabCorp Variant Classification Summary - May 2015. Collection method: clinical testing. Allele origin: germline.
Comment: Variant summary: ABCA12 c.7386G>C (p.Met2462Ile) results in a conservative amino acid change in the encoded protein sequence. Algorithms developed to predict the effect of missense changes on protein structure and function are either unavailable or do not agree on the potential impact of this missense change. The variant allele was found at a frequency of 3.6e-05 in 250896 control chromosomes (gnomAD). The available data on variant occurrences in the general population are insufficient to allow any conclusion about variant significance. c.7386G>C has been observed in one individual affected with mild palmoplantar keratoderma (Song_2024). These data do not allow any conclusion about variant significance. To our knowledge, no experimental evidence demonstrating an impact on protein function has been reported. The following publications have been ascertained in the context of this evaluation (PMID: 39635805, 40802477). ClinVar contains an entry for this variant (Variation ID: 450611). Based on the evidence outlined above, the variant was classified as uncertain significance.

GeneDx
Classification: Uncertain significance. Last evaluated: 2017-07-20. Review status: criteria provided, single submitter. Criteria: GeneDx Variant Classification (06012015). Collection method: clinical testing. Allele origin: germline. Affected: yes.
Comment: The M2462I variant in the ABCA12 gene has not been reported previously as a pathogenic variant, nor as a benign variant, to our knowledge. The M2462I variant is not observed at a significant frequency in large population cohorts (Lek et al., 2016; 1000 Genomes Consortium et al., 2015; Exome Variant Server). The M2462I variant is a conservative amino acid substitution, which is not likely to impact secondary protein structure as these residues share similar properties. However, this substitution occurs at a position that is conserved across species, and in silico analysis predicts this variant is probably damaging to the protein structure/function. We interpret M2462I as a variant of uncertain significance.

Literature cited by the submitters: PubMed 39635805 (cited by Women's Health and Genetics/Laboratory Corporation of America, LabCorp); PubMed 40802477 (cited by Women's Health and Genetics/Laboratory Corporation of America, LabCorp).